The following is an entry in ClinVar:

ClinVar aggregate classification (germline): Likely benign. Review status: criteria provided, multiple submitters, no conflicts (2 of 4 stars). 3 submissions from 3 submitters: Likely benign (3). Last evaluated 2025-10-23.

Conditions:
Peroxisome biogenesis disorder 9B. Also called: PEROXISOME BIOGENESIS DISORDER, PEX7-RELATED, ATYPICAL; Refsum disease, adult, 2; PEX7-Related Refsum Disease. Identifiers: Orphanet 773, MedGen C2749346, MONDO:0013945, OMIM 614879.

Allele frequency attached by ClinVar (database versions not stated): gnomAD exomes 0.00003 and 0.00008; gnomAD 0.00005; TOPMed 0.00005; ExAC 0.00006.
gnomAD v4.1: 55 of 1,613,824 alleles (0.0034%); highest among the groups gnomAD compares: Admixed American, 0.028%; no homozygotes.

Submissions (3):

Labcorp Genetics (formerly Invitae), Labcorp
Classification: Likely benign for Peroxisome biogenesis disorder 9B. Last evaluated: 2025-10-23. Review status: criteria provided, single submitter. Criteria: Invitae Variant Classification Sherloc (09022015). Collection method: clinical testing. Allele origin: germline.

Blueprint Genetics
Classification: Likely benign. Last evaluated: 2024-07-17. Review status: criteria provided, single submitter. Criteria: ACMG Guidelines, 2015. Collection method: clinical testing. Allele origin: germline.

CeGaT Center for Human Genetics Tuebingen
Classification: Likely benign. Last evaluated: 2023-03-01. Review status: criteria provided, single submitter. Criteria: CeGaT Center For Human Genetics Tuebingen Variant Classification Criteria Version 2. Collection method: clinical testing. Allele origin: germline. Affected: yes. Observed: 2 variant alleles.
Comment: PEX7: BP4, BP7

NM_000288.4(PEX7):c.237C>T (p.Asn79=)

Gene: PEX7 (peroxisomal biogenesis factor 7; plus strand). Cytogenetic location: 6q23.3.
Variant type: single nucleotide variant.
Coding change: c.237C>T on transcript NM_000288.4 (MANE Select); coding-DNA position 237, C replaced by T.
Protein change: p.Asn79=; no amino-acid change (asparagine 79 retained).
Molecular consequence: synonymous variant.
Genome position (GRCh38, 1-based): chr6:136,826,367, C>T. VCF-style: chr6-136826367-C-T. GRCh37 (hg19) VCF-style: chr6-137147505-C-T.
Identifiers: ClinVar variation 1149769 (VCV001149769.33), dbSNP rs752745963, ClinGen allele CA4017533.